The following is an entry in ClinVar:

NM_000090.4(COL3A1):c.1768C>T (p.Pro590Ser)

Gene: COL3A1 (collagen type III alpha 1 chain; plus strand). Cytogenetic location: 2q32.2.
Variant type: single nucleotide variant.
Coding change: c.1768C>T on transcript NM_000090.4 (MANE Select); coding-DNA position 1768, C replaced by T.
Protein change: p.Pro590Ser; replaces proline 590 with serine.
Molecular consequence: missense variant.
Genome position (GRCh38, 1-based): chr2:188,997,171, C>T. VCF-style: chr2-188997171-C-T. GRCh37 (hg19) VCF-style: chr2-189861897-C-T.
Other names: short protein forms P590S.
Identifiers: ClinVar variation 4692258 (VCV004692258.2).
Genomic context (GRCh38, chr2:188,997,171, plus strand): 5'-ATGATTAGTTATTGCCCTTTGAGGATTAGTAAATACCGACCACTTCTTCTTTAGGGTGCT[C>T]CTGGTAAGAATGGAGAACGAGGTGGCCCTGGAGGACCTGGCCCTCAGGTACGTAGCTTTC-3'
Protein context (NP_000081.2, residues 580-600): FPGPKGNDGA[Pro590Ser]GKNGERGGPG

ClinVar aggregate classification (germline): Uncertain significance. Review status: criteria provided, multiple submitters, no conflicts (2 of 4 stars). 2 submissions from 2 submitters: Uncertain significance (2). Last evaluated 2026-03-10.

Conditions:
Ehlers-Danlos syndrome, type 4 (EDSVASC). Also called: Ehlers-Danlos syndrome vascular type; Ehlers Danlos syndrome, ecchymotic type; Ehlers Danlos syndrome, arterial type; Ehlers Danlos syndrome, Sack-Barabas type; Ehlers-Danlos Syndrome Type IV. Identifiers: Orphanet 286, MedGen C0268338, MONDO:0017314, OMIM 130050.
Familial thoracic aortic aneurysm and aortic dissection (TAAD). Also called: Thoracic aortic aneurysms and dissections. Identifiers: Orphanet 91387, MedGen C4707243, MONDO:0019625.

gnomAD v4.1: 3 of 1,613,844 alleles (0.00019%); highest among the groups gnomAD compares: African/African-American, 0.0013%; no homozygotes.

Submissions (2):

Ambry Genetics
Classification: Uncertain significance for Familial thoracic aortic aneurysm and aortic dissection. Last evaluated: 2026-03-10. Review status: criteria provided, single submitter. Criteria: Ambry Variant Classification Scheme 2023. Collection method: clinical testing. Allele origin: germline.

Labcorp Genetics (formerly Invitae), Labcorp
Classification: Uncertain significance for Ehlers-Danlos syndrome, type 4. Last evaluated: 2025-06-12. Review status: criteria provided, single submitter. Criteria: Invitae Variant Classification Sherloc (09022015). Collection method: clinical testing. Allele origin: germline.
Comment: This sequence change replaces proline, which is neutral and non-polar, with serine, which is neutral and polar, at codon 590 of the COL3A1 protein (p.Pro590Ser). This variant is present in population databases (no rsID available, gnomAD 0.007%). This variant has not been reported in the literature in individuals affected with COL3A1-related conditions. Invitae Evidence Modeling of protein sequence and biophysical properties (such as structural, functional, and spatial information, amino acid conservation, physicochemical variation, residue mobility, and thermodynamic stability) indicates that this missense variant is not expected to disrupt COL3A1 protein function with a negative predictive value of 95%. In summary, the available evidence is currently insufficient to determine the role of this variant in disease. Therefore, it has been classified as a Variant of Uncertain Significance.